The following is an entry in ClinVar:

NM_017649.5(CNNM2):c.488T>C (p.Ile163Thr)

Genes: CNNM2 (cyclin and CBS domain divalent metal cation transport mediator 2; plus strand), LOC130004628 (ATAC-STARR-seq lymphoblastoid silent region 2775; plus strand). Cytogenetic location: 10q24.32.
Variant type: single nucleotide variant.
Coding change: c.488T>C on transcript NM_017649.5 (MANE Select); coding-DNA position 488, T replaced by C.
Protein change: p.Ile163Thr; replaces isoleucine 163 with threonine.
Molecular consequence: missense variant.
Genome position (GRCh38, 1-based): chr10:102,918,968, T>C. VCF-style: chr10-102918968-T-C. GRCh37 (hg19) VCF-style: chr10-104678725-T-C.
Other names: c.488T>C, p.Ile163Thr (NM_199076.3, NM_199077.3); short protein forms I163T.
Identifiers: ClinVar variation 2580999 (VCV002580999.1), dbSNP rs2493374182, ClinGen allele CA377955961.

ClinVar aggregate classification (germline): Uncertain significance (1 of 4 stars; one submission).

Conditions:
Hypomagnesemia, seizures, and impaired intellectual development 1. Also called: Hypomagnesemia, seizures, and intellectual disability 1. Identifiers: Orphanet 34527, MedGen C4225333, MONDO:0020787, OMIM 616418.

Submission:

Dr. med. U. Finckh, Human Genetics, Eurofins MVZ
Classification: Uncertain significance for Hypomagnesemia, seizures, and impaired intellectual development 1. Last evaluated: 2020-10-08. Review status: criteria provided, single submitter. Criteria: ACMG Guidelines, 2015. Collection method: clinical testing. Allele origin: de novo. Observed: 1 heterozygote.
Comment: The variant is not present in gnomAD. Pathogenicity prediction tools are inconclusive. We therefore classify it as VUS.